The following is an entry in ClinVar:

NC_012920.1(MT-CO3):m.9469C>T

Gene: MT-CO3 (mitochondrially encoded cytochrome c oxidase III; plus strand).
Variant type: single nucleotide variant.
Genome position: chrM-9469-C-T.
Identifiers: ClinVar variation 693168 (VCV000693168.1), dbSNP rs1603222325, ClinGen allele CA414803013.

ClinVar aggregate classification (germline): Benign (1 of 4 stars; one submission).

Conditions:
Leigh syndrome (NULS). Also called: Leigh's necrotizing encephalopathy; Leigh's disease; Leigh Syndrome (mtDNA deletion); Leigh Disease; Subacute necrotizing encephalopathy; Necrotizing encephalopathy infantile subacute of Leigh. Identifiers: Orphanet 506, MedGen C2931891, MONDO:0009723, OMIM 256000.

Submission:

Wong Mito Lab, Molecular and Human Genetics, Baylor College of Medicine
Classification: Benign for Leigh syndrome. Last evaluated: 2019-10-17. Review status: criteria provided, single submitter. Criteria: Modified ACMG Guidelines (Unpublished). Collection method: clinical testing. Allele origin: germline.
Comment: The NC_012920.1:m.9469C>T (YP_003024032.1:p.Thr88Ile) variant in MTCO3 gene is interpretated to be a Benign variant based on the modified ACMG guidelines (unpublished). This variant meets the following evidence codes: BS1, BS2, BP4